The following is an entry in ClinVar:

NM_001754.5(RUNX1):c.1073C>T (p.Thr358Met)

Gene: RUNX1 (RUNX family transcription factor 1; minus strand). Cytogenetic location: 21q22.12.
Variant type: single nucleotide variant.
Coding change: c.1073C>T on transcript NM_001754.5 (MANE Select); coding-DNA position 1073, C replaced by T.
Protein change: p.Thr358Met; replaces threonine 358 with methionine.
Molecular consequence: missense variant.
Genome position (GRCh38, 1-based): chr21:34,792,505, G>A on the plus strand (C>T on the coding strand, the complement: RUNX1 is on the minus strand). VCF-style: chr21-34792505-G-A. GRCh37 (hg19) VCF-style: chr21-36164802-G-A.
Other names: NM_001754.5(RUNX1):c.1073C>T; p.Thr358Met; c.992C>T, p.Thr331Met (NM_001001890.3); short protein forms T331M, T358M.
Identifiers: ClinVar variation 837795 (VCV000837795.10), dbSNP rs962671280, ClinGen allele CA320251541.
Genomic context (GRCh38, chr21:34,792,505, plus strand): 5'-TGGTAGCGCGTGGCCGAGCCCATGGCCGACATGCCGATGCCGATGCCCGAGGTGACCGGC[G>A]TCGGGGAGTAGGTGAAGGCGCCTGGATAGTGCATGCGGGGGTCGGAGATGGAGGGCAGCG-3'
Protein context (NP_001745.2, residues 348-368): HYPGAFTYSP[Thr358Met]PVTSGIGIGM

ClinVar aggregate classification (germline): Uncertain significance. Review status: reviewed by expert panel (3 of 4 stars). 4 submissions from 4 submitters: Uncertain significance (1). 3 of the submissions do not count toward it. Last evaluated 2024-07-17.

Conditions:
Inborn genetic diseases. Identifiers: MedGen C0950123, MeSH D030342.
Hereditary thrombocytopenia and hematological cancer predisposition syndrome associated with RUNX1. Also called: PLATELET DISORDER, ASPIRIN-LIKE; RUNX1 Familial Platelet Disorder with Associated Myeloid Malignancies; Familial Platelet Disorder with Propensity to Acute Myelogenous Leukemia; Familial thrombocytopenia with propensity to acute myelogenous leukemia. Identifiers: Orphanet 71290, MedGen C1832388, MeSH C563324, MONDO:0100083, OMIM 601399.
Acute myeloid leukemia (AML). Also called: Acute myeloid leukemia, adult; AML adult; Acute non-lymphocytic leukemia; Acute granulocytic leukemia; Leukemia, acute myeloid, somatic; Leukemia, acute myelogenous, somatic. Identifiers: Orphanet 519, MedGen C0023467, MeSH D015470, MONDO:0018874, OMIM 601626, HP:0004808. Disease mechanism: Constitutively activated FLT3.

Allele frequency attached by ClinVar (database versions not stated): TOPMed 0.00001.

Submissions (4):

ClinGen Myeloid Malignancy Variant Curation Expert Panel
Classification: Uncertain significance for Hereditary thrombocytopenia and hematological cancer predisposition syndrome associated with RUNX1. Last evaluated: 2024-07-17. Review status: reviewed by expert panel. Criteria: ClinGen MyeloMalig ACMG Specifications v2. Collection method: curation. Allele origin: germline. Inheritance: Autosomal dominant inheritance.
Comment: NM_001754.5(RUNX1):c.1073C>T (p.Thr358Met) is a missense variant that is completely absent from all population databases with at least 20x coverage for RUNX1 (PM2_supporting). In summary, the clinical significance of this variant is uncertain. ACMG/AMP criteria have been applied as specified by the Myeloid Malignancy Variant Curation Expert Panel for RUNX1: PM2_supporting.

Ambry Genetics
Classification: Uncertain significance for Inborn genetic diseases. Last evaluated: 2025-02-08. Review status: criteria provided, single submitter. Criteria: Ambry Variant Classification Scheme 2023. Collection method: clinical testing. Allele origin: germline. Not counted in ClinVar's aggregate classification.
Comment: The p.T358M variant (also known as c.1073C>T), located in coding exon 8 of the RUNX1 gene, results from a C to T substitution at nucleotide position 1073. The threonine at codon 358 is replaced by methionine, an amino acid with similar properties. This amino acid position is conserved. In addition, this alteration is predicted to be deleterious by in silico analysis. Based on the available evidence, the clinical significance of this variant remains unclear.

Labcorp Genetics (formerly Invitae), Labcorp
Classification: Uncertain significance for Hereditary thrombocytopenia and hematological cancer predisposition syndrome associated with RUNX1. Last evaluated: 2024-11-18. Review status: criteria provided, single submitter. Criteria: Invitae Variant Classification Sherloc (09022015). Collection method: clinical testing. Allele origin: germline. Not counted in ClinVar's aggregate classification.
Comment: This sequence change replaces threonine, which is neutral and polar, with methionine, which is neutral and non-polar, at codon 358 of the RUNX1 protein (p.Thr358Met). This variant is not present in population databases (gnomAD no frequency). This variant has not been reported in the literature in individuals affected with RUNX1-related conditions. ClinVar contains an entry for this variant (Variation ID: 837795). Invitae Evidence Modeling of protein sequence and biophysical properties (such as structural, functional, and spatial information, amino acid conservation, physicochemical variation, residue mobility, and thermodynamic stability) has been performed for this missense variant. However, the output from this modeling did not meet the statistical confidence thresholds required to predict the impact of this variant on RUNX1 protein function. In summary, the available evidence is currently insufficient to determine the role of this variant in disease. Therefore, it has been classified as a Variant of Uncertain Significance.

Baylor Genetics
Classification: Uncertain significance for Acute myeloid leukemia. Last evaluated: 2024-02-28. Review status: criteria provided, single submitter. Criteria: ACMG Guidelines, 2015. Collection method: clinical testing. Allele origin: unknown. Not counted in ClinVar's aggregate classification.